The following is an entry in ClinVar:

ClinVar aggregate classification (germline): Uncertain significance (1 of 4 stars; one submission).

Conditions:
Immunodeficiency, common variable, 10. Also called: DEFICIT IN ANTERIOR PITUITARY FUNCTION AND VARIABLE IMMUNODEFICIENCY; IMMUNODEFICIENCY, COMMON VARIABLE, WITH CENTRAL ADRENAL INSUFFICIENCY. Identifiers: MedGen C3809991, MONDO:0014260, OMIM 615577.

Allele frequency attached by ClinVar (database versions not stated): gnomAD exomes below 0.00001 and 0.00003; TOPMed below 0.00001.
gnomAD v4.1: 37 of 1,595,288 alleles (0.0023%); highest among the groups gnomAD compares: Non-Finnish European, 0.0032%; no homozygotes.

Submission:

Labcorp Genetics (formerly Invitae), Labcorp
Classification: Uncertain significance for Immunodeficiency, common variable, 10. Last evaluated: 2023-10-13. Review status: criteria provided, single submitter. Criteria: Invitae Variant Classification Sherloc (09022015). Collection method: clinical testing. Allele origin: germline.
Comment: This sequence change replaces glycine, which is neutral and non-polar, with glutamic acid, which is acidic and polar, at codon 368 of the NFKB2 protein (p.Gly368Glu). This variant is present in population databases (no rsID available, gnomAD 0.001%). This variant has not been reported in the literature in individuals affected with NFKB2-related conditions. ClinVar contains an entry for this variant (Variation ID: 858724). An algorithm developed to predict the effect of missense changes on protein structure and function (PolyPhen-2) suggests that this variant is likely to be disruptive. In summary, the available evidence is currently insufficient to determine the role of this variant in disease. Therefore, it has been classified as a Variant of Uncertain Significance.

NM_001322934.2(NFKB2):c.1103G>A (p.Gly368Glu)

Gene: NFKB2 (nuclear factor kappa B subunit 2; plus strand). Cytogenetic location: 10q24.32.
Variant type: single nucleotide variant.
Coding change: c.1103G>A on transcript NM_001322934.2 (MANE Select); coding-DNA position 1103, G replaced by A.
Protein change: p.Gly368Glu; replaces glycine 368 with glutamic acid.
Molecular consequence: missense variant. On other transcripts: intron variant (1).
Genome position (GRCh38, 1-based): chr10:102,398,850, G>A. VCF-style: chr10-102398850-G-A. GRCh37 (hg19) VCF-style: chr10-104158607-G-A.
Other names: c.1103G>A, p.Gly368Glu (NM_001077494.3, NM_001261403.3, NM_001288724.1 and 1 more transcripts); c.991+327G>A (NM_001322935.1); short protein forms G368E.
Identifiers: ClinVar variation 858724 (VCV000858724.9), dbSNP rs1321875454, ClinGen allele CA377898239.